The following is an entry in ClinVar:

ClinVar aggregate classification (germline): Pathogenic/Likely pathogenic. Review status: criteria provided, multiple submitters, no conflicts (2 of 4 stars). 7 submissions from 7 submitters: Pathogenic (4); Likely pathogenic (3). Last evaluated 2026-02-02.

Conditions:
Inborn genetic diseases. Identifiers: MedGen C0950123, MeSH D030342.
Developmental and epileptic encephalopathy, 14 (DEE14). Also called: Early infantile epileptic encephalopathy 14. Identifiers: Orphanet 293181, MedGen C3554195, MONDO:0013989, OMIM 614959.
Autosomal dominant nocturnal frontal lobe epilepsy 5. Also called: KCNT1-Related Epilepsy; CILIARY DYSKINESIA, PRIMARY, 28, WITH SITUS INVERSUS; CILIARY DYSKINESIA, PRIMARY, 28, WITHOUT SITUS INVERSUS; Epilepsy, nocturnal frontal lobe, 5. Identifiers: Orphanet 98784, MedGen C3554306, MONDO:0014002, OMIM 615005.

Submissions (7):

Labcorp Genetics (formerly Invitae), Labcorp
Classification: Pathogenic for Autosomal dominant nocturnal frontal lobe epilepsy 5; Developmental and epileptic encephalopathy, 14. Last evaluated: 2026-02-02. Review status: criteria provided, single submitter. Criteria: Invitae Variant Classification Sherloc (09022015). Collection method: clinical testing. Allele origin: germline.
Comment: This sequence change replaces arginine, which is basic and polar, with glutamine, which is neutral and polar, at codon 262 of the KCNT1 protein (p.Arg262Gln). This variant is not present in population databases (gnomAD no frequency). This missense change has been observed in individual(s) with malignant partial seizures of infancy as well as intractable focal epilepsy with pervasive developmental disorder (PMID: 26122718; internal data). In at least one individual the variant was observed to be de novo. ClinVar contains an entry for this variant (Variation ID: 432096). Invitae Evidence Modeling of protein sequence and biophysical properties (such as structural, functional, and spatial information, amino acid conservation, physicochemical variation, residue mobility, and thermodynamic stability) indicates that this missense variant is not expected to disrupt KCNT1 protein function with a negative predictive value of 80%. For these reasons, this variant has been classified as Pathogenic.

Department of Neurology, Zibo Changguo Hospital
Classification: Likely pathogenic for Autosomal dominant nocturnal frontal lobe epilepsy 5. Last evaluated: 2025-01-08. Review status: criteria provided, single submitter. Criteria: ACMG Guidelines, 2015. Collection method: clinical testing. Allele origin: maternal. Inheritance: Autosomal dominant inheritance. Affected: yes.
Comment: PM1, PM6, PM2_Supporting, PS4_Supporting

Ambry Genetics
Classification: Likely pathogenic for Inborn genetic diseases. Last evaluated: 2024-10-03. Review status: criteria provided, single submitter. Criteria: Ambry Variant Classification Scheme 2023. Collection method: clinical testing. Allele origin: germline.
Comment: The p.R262Q variant (also known as c.785G>A), located in coding exon 10 of the KCNT1 gene, results from a G to A substitution at nucleotide position 785. The arginine at codon 262 is replaced by glutamine, an amino acid with highly similar properties. This variant has been determined to be the result of a de novo mutation in one individual with features consistent with KCNT1-related neurodevelopmental disorder (M&oslash;ller RS et al. Epilepsia, 2015 Sep;56:e114-20). This variant was reported in multiple individuals with features consistent with KCNT1-related neurodevelopmental disorder (Wei F et al. Neurosci Bull, 2017 Aug;33:455-477; Hamdan FF et al. Am J Hum Genet, 2017 Nov;101:664-685; Fern&aacute;ndez-Marmiesse A et al. Front Neurosci, 2019 Nov;13:1135). This amino acid position is highly conserved in available vertebrate species. In addition, this alteration is predicted to be deleterious by in silico analysis. Based on the majority of available evidence to date, this variant is likely to be pathogenic.

GeneDx
Classification: Pathogenic. Last evaluated: 2023-01-13. Review status: criteria provided, single submitter. Criteria: GeneDx Variant Classification Process June 2021. Collection method: clinical testing. Allele origin: germline. Affected: yes.
Comment: Not observed at significant frequency in large population cohorts (gnomAD); In silico analysis supports that this missense variant has a deleterious effect on protein structure/function; This variant is associated with the following publications: (PMID: 26122718, 31780880, 34440436, 29100083)

CeGaT Center for Human Genetics Tuebingen
Classification: Pathogenic. Last evaluated: 2021-01-01. Review status: criteria provided, single submitter. Criteria: CeGaT Center For Human Genetics Tuebingen Variant Classification Criteria Version 2. Collection method: clinical testing. Allele origin: germline. Affected: yes. Observed: 1 variant allele.

Institute of Medical Genetics and Applied Genomics, University Hospital Tübingen
Classification: Likely pathogenic. Last evaluated: 2020-10-23. Review status: criteria provided, single submitter. Criteria: ACMG Guidelines, 2015. Collection method: clinical testing. Allele origin: germline. Inheritance: Unknown mechanism. Affected: yes.

Equipe Genetique des Anomalies du Developpement, Université de Bourgogne
Classification: Pathogenic for Autosomal dominant nocturnal frontal lobe epilepsy 5. Review status: criteria provided, single submitter. Criteria: ACMG Guidelines, 2015. Collection method: clinical testing. Allele origin: paternal. Affected: yes.

Literature cited by the submitters: PubMed 26122718 (cited by Labcorp Genetics (formerly Invitae), Labcorp and Ambry Genetics); PubMed 28488083 (cited by Ambry Genetics); PubMed 29100083 (cited by Ambry Genetics); PubMed 31780880 (cited by Ambry Genetics).

NM_020822.3(KCNT1):c.785G>A (p.Arg262Gln)

Gene: KCNT1 (potassium sodium-activated channel subfamily T member 1; plus strand). Cytogenetic location: 9q34.3.
Variant type: single nucleotide variant.
Coding change: c.785G>A on transcript NM_020822.3 (MANE Select); coding-DNA position 785, G replaced by A.
Protein change: p.Arg262Gln; replaces arginine 262 with glutamine.
Molecular consequence: missense variant.
Genome position (GRCh38, 1-based): chr9:135,758,439, G>A. VCF-style: chr9-135758439-G-A. GRCh37 (hg19) VCF-style: chr9-138650285-G-A.
Other names: c.641G>A, p.Arg214Gln (NM_001272003.2); short protein forms R262Q, R214Q.
Identifiers: ClinVar variation 432096 (VCV000432096.56), dbSNP rs1554771469, ClinGen allele CA375498111.